The following is an entry in ClinVar:

ClinVar aggregate classification (germline): Uncertain significance (1 of 4 stars; one submission).

Conditions:
Hereditary pheochromocytoma and paraganglioma. Also called: Hereditary paragangliomas and pheochromocytomas; Hereditary Paraganglioma-Pheochromocytoma Syndromes; Hereditary pheochromocytoma-paraganglioma. Identifiers: Orphanet 29072, MedGen C4274332, MONDO:0017366.

Submission:

Labcorp Genetics (formerly Invitae), Labcorp
Classification: Uncertain significance for Hereditary pheochromocytoma and paraganglioma. Last evaluated: 2023-03-11. Review status: criteria provided, single submitter. Criteria: Invitae Variant Classification Sherloc (09022015). Collection method: clinical testing. Allele origin: germline.
Comment: In summary, the available evidence is currently insufficient to determine the role of this variant in disease. Therefore, it has been classified as a Variant of Uncertain Significance. An algorithm developed to predict the effect of missense changes on protein structure and function (PolyPhen-2) suggests that this variant is likely to be tolerated. This variant has not been reported in the literature in individuals affected with MAX-related conditions. This variant is not present in population databases (gnomAD no frequency). This sequence change replaces serine, which is neutral and polar, with tyrosine, which is neutral and polar, at codon 20 of the MAX protein (p.Ser20Tyr).

NM_002382.5(MAX):c.59C>A (p.Ser20Tyr)

Gene: MAX (MYC associated transcriptional regulator X; minus strand). Cytogenetic location: 14q23.3.
Variant type: single nucleotide variant.
Coding change: c.59C>A on transcript NM_002382.5 (MANE Select); coding-DNA position 59, C replaced by A.
Protein change: p.Ser20Tyr; replaces serine 20 with tyrosine.
Molecular consequence: missense variant. On other transcripts: 5 prime UTR variant (4), non-coding transcript variant (7), intron variant (14).
Genome position (GRCh38, 1-based): chr14:65,101,550, G>T on the plus strand (C>A on the coding strand, the complement: MAX is on the minus strand). VCF-style: chr14-65101550-G-T. GRCh37 (hg19) VCF-style: chr14-65568268-G-T.
Other names: c.-216C>A (NM_001320415.2, NM_001407105.1, NM_001407106.1); c.59C>A, p.Ser20Tyr (NM_001407094.1, NM_001407096.1, NM_001407097.1 and 6 more transcripts); c.-309C>A (NM_001407111.1); c.82C>A, p.Leu28Met (NM_001407114.1); c.36+754C>A (NM_001271069.2, NM_001407095.1, NM_001407110.1 and 9 more transcripts); c.-305+959C>A (NM_001407112.1); c.-212+754C>A (NM_001407107.1); short protein forms S20Y, L28M.
Identifiers: ClinVar variation 2844935 (VCV002844935.3), dbSNP rs2063833795, ClinGen allele CA390038712.
Genomic context (GRCh38, chr14:65,101,550, plus strand): 5'-CAAAAAGGAATAGAACTGAACGGAAATAAAAATGAAATGGAGAGTAGGAGACGTACCGCA[G>T]ATTGAAACCTCGGTTGCTCTTCCTGGAATAAGAGAGAAAAAAAAAAATAGAAAATATAGA-3'
Protein context (NP_002373.3, residues 10-30): ESDEEQPRFQ[Ser20Tyr]AADKRAHHNA